The following is an entry in ClinVar:

ClinVar aggregate classification (germline): Pathogenic (1 of 4 stars; one submission).

Conditions:
Oculofaciocardiodental syndrome (MCOPS2). Identifiers: Orphanet 2712, MedGen C1846265, MONDO:0010261, OMIM 300166.

Submission:

Labcorp Genetics (formerly Invitae), Labcorp
Classification: Pathogenic for Oculofaciocardiodental syndrome. Last evaluated: 2018-12-25. Review status: criteria provided, single submitter. Criteria: Invitae Variant Classification Sherloc (09022015). Collection method: clinical testing. Allele origin: germline.
Comment: For these reasons, this variant has been classified as Pathogenic. Loss-of-function variants in BCOR are known to be pathogenic (PMID: 15004558, 19367324). This variant has not been reported in the literature in individuals with BCOR-related conditions. This variant is not present in population databases (ExAC no frequency). This sequence change creates a premature translational stop signal (p.Tyr1082Leufs*2) in the BCOR gene. It is expected to result in an absent or disrupted protein product.

Literature cited by the submitters: PubMed 15004558; PubMed 19367324.

NM_001123385.2(BCOR):c.3244dup (p.Tyr1082fs)

Gene: BCOR (BCL6 corepressor; minus strand). Cytogenetic location: Xp11.4.
Variant type: Duplication.
Coding change: c.3244dup on transcript NM_001123385.2 (MANE Select); coding-DNA position 3244, one base duplicated (T; older notation c.3244dupT).
Protein change: p.Tyr1082fs; shifts the reading frame from tyrosine 1082.
Molecular consequence: frameshift variant.
Genome position (GRCh38, 1-based): chrX:40,064,594, A duplicated on the plus strand (T on the coding strand, the reverse complement: BCOR is on the minus strand). VCF-style (leftmost placement, unchanged base first): chrX-40064593-T-TA. GRCh37 (hg19) VCF-style: chrX-39923846-T-TA.
Other names: c.3244dup, p.Tyr1082Leufs (NM_001123383.2); c.3190dup, p.Tyr1064fs (NM_001123384.2); c.3244dup, p.Tyr1082fs (NM_017745.6); short protein forms Y1082fs, Y1064fs.
Identifiers: ClinVar variation 639148 (VCV000639148.6), dbSNP rs1602131405, ClinGen allele CA915950949.